The following is an entry in ClinVar:

ClinVar aggregate classification (germline): Likely benign (1 of 4 stars; one submission).

gnomAD v4.1: 1 of 1,613,036 alleles (0.000062%); highest among the groups gnomAD compares: African/African-American, 0.0013%; no homozygotes.

Submission:

GeneDx
Classification: Likely benign. Last evaluated: 2018-01-18. Review status: criteria provided, single submitter. Criteria: GeneDx Variant Classification (06012015). Collection method: clinical testing. Allele origin: germline. Affected: yes.
Comment: This variant is considered likely benign or benign based on one or more of the following criteria: it is a conservative change, it occurs at a poorly conserved position in the protein, it is predicted to be benign by multiple in silico algorithms, and/or has population frequency not consistent with disease.

NM_000260.4(MYO7A):c.1555-5C>T

Gene: MYO7A (myosin VIIA; plus strand). Cytogenetic location: 11q13.5.
Variant type: single nucleotide variant.
Coding change: c.1555-5C>T on transcript NM_000260.4 (MANE Select); 5 bases into the intron before coding-DNA position 1555, C replaced by T.
Molecular consequence: intron variant.
Genome position (GRCh38, 1-based): chr11:77,162,848, C>T. VCF-style: chr11-77162848-C-T. GRCh37 (hg19) VCF-style: chr11-76873894-C-T.
Other names: c.1522-5C>T (NM_001369365.1); c.1555-5C>T (NM_001127180.2).
Identifiers: ClinVar variation 513072 (VCV000513072.1), dbSNP rs569844918, ClinGen allele CA224831697.
Genomic context (GRCh38, chr11:77,162,848, plus strand): 5'-GGCAGGGAGGGGAGTGGGGCCCATGGAGGAGAGGGTGGGCTCACAGCTGCCCCTCCACTC[C>T]CCAGGGCACAGACACCACCATGTTACACAAGCTGAACTCCCAGCACAAGCTCAACGCCAA-3'